The following is an entry in ClinVar:

NM_001243925.2(MAPKAPK3):c.123C>A (p.Asp41Glu)

Gene: MAPKAPK3 (MAPK activated protein kinase 3; plus strand). Cytogenetic location: 3p21.2.
Variant type: single nucleotide variant.
Coding change: c.123C>A on transcript NM_001243925.2 (MANE Select); coding-DNA position 123, C replaced by A.
Protein change: p.Asp41Glu; replaces aspartic acid 41 with glutamic acid.
Molecular consequence: missense variant.
Genome position (GRCh38, 1-based): chr3:50,617,688, C>A. VCF-style: chr3-50617688-C-A. GRCh37 (hg19) VCF-style: chr3-50655119-C-A.
Other names: c.123C>A, p.Asp41Glu (NM_001243926.2, NM_004635.5); short protein forms D41E.
Identifiers: ClinVar variation 2127088 (VCV002127088.4), dbSNP rs1229284740, ClinGen allele CA352961510.

ClinVar aggregate classification (germline): Uncertain significance (1 of 4 stars; one submission).

gnomAD v4.1: 1 of 1,613,432 alleles (0.000062%); highest among the groups gnomAD compares: Non-Finnish European, 0.000085%; no homozygotes.

Submission:

Labcorp Genetics (formerly Invitae), Labcorp
Classification: Uncertain significance. Last evaluated: 2022-04-16. Review status: criteria provided, single submitter. Criteria: Invitae Variant Classification Sherloc (09022015). Collection method: clinical testing. Allele origin: germline.
Comment: In summary, the available evidence is currently insufficient to determine the role of this variant in disease. Therefore, it has been classified as a Variant of Uncertain Significance. Algorithms developed to predict the effect of missense changes on protein structure and function output the following: SIFT: "Deleterious"; PolyPhen-2: "Benign"; Align-GVGD: "Class C0". The glutamic acid amino acid residue is found in multiple mammalian species, which suggests that this missense change does not adversely affect protein function. This variant has not been reported in the literature in individuals affected with MAPKAPK3-related conditions. This variant is not present in population databases (gnomAD no frequency). This sequence change replaces aspartic acid, which is acidic and polar, with glutamic acid, which is acidic and polar, at codon 41 of the MAPKAPK3 protein (p.Asp41Glu).